The following is an entry in ClinVar:

ClinVar aggregate classification (germline): Uncertain significance (1 of 4 stars; one submission).

Conditions:
Regional enteritis. Also called: Enteritis, Granulomatous. Identifiers: MedGen C0678202, MeSH D003424.
Blau syndrome (BLAUS). Also called: ARTHROCUTANEOUVEAL GRANULOMATOSIS; GRANULOMATOSIS, FAMILIAL JUVENILE SYSTEMIC; GRANULOMATOSIS, FAMILIAL, BLAU TYPE; GRANULOMATOUS INFLAMMATORY ARTHRITIS, DERMATITIS, AND UVEITIS, FAMILIAL; JABS SYNDROME. Identifiers: Orphanet 90340, MedGen C5201146, MONDO:0008523, OMIM 186580.

Submission:

Labcorp Genetics (formerly Invitae), Labcorp
Classification: Uncertain significance for Regional enteritis; Blau syndrome. Last evaluated: 2024-08-28. Review status: criteria provided, single submitter. Criteria: Invitae Variant Classification Sherloc (09022015). Collection method: clinical testing. Allele origin: germline.
Comment: This sequence change replaces lysine, which is basic and polar, with arginine, which is basic and polar, at codon 854 of the NOD2 protein (p.Lys854Arg). This variant is not present in population databases (gnomAD no frequency). This variant has not been reported in the literature in individuals affected with NOD2-related conditions. Invitae Evidence Modeling of protein sequence and biophysical properties (such as structural, functional, and spatial information, amino acid conservation, physicochemical variation, residue mobility, and thermodynamic stability) indicates that this missense variant is not expected to disrupt NOD2 protein function with a negative predictive value of 95%. In summary, the available evidence is currently insufficient to determine the role of this variant in disease. Therefore, it has been classified as a Variant of Uncertain Significance.

NM_001370466.1(NOD2):c.2480A>G (p.Lys827Arg)

Gene: NOD2 (nucleotide binding oligomerization domain containing 2; plus strand). Cytogenetic location: 16q12.1.
Variant type: single nucleotide variant.
Coding change: c.2480A>G on transcript NM_001370466.1 (MANE Select); coding-DNA position 2480, A replaced by G.
Protein change: p.Lys827Arg; replaces lysine 827 with arginine.
Molecular consequence: missense variant. On other transcripts: non-coding transcript variant (1).
Genome position (GRCh38, 1-based): chr16:50,716,905, A>G. VCF-style: chr16-50716905-A-G. GRCh37 (hg19) VCF-style: chr16-50750816-A-G.
Other names: c.2480A>G, p.Lys827Arg (NM_001293557.2); c.2561A>G, p.Lys854Arg (NM_022162.3); short protein forms K827R, K854R.
Identifiers: ClinVar variation 3754228 (VCV003754228.2).
Genomic context (GRCh38, chr16:50,716,905, plus strand): 5'-CCAATGTGCTTTGCTTCTGTGTCTCCTCTCTTCTGGAACTGAACAGTCTATTCAACAACA[A>G]ATTGACTGACGGCTGTGCACACTCCATGGCTAAGCTCCTTGCATGCAGGCAGAACTTCTT-3'
Protein context (NP_001357395.1, residues 817-837): QLQKLALFNN[Lys827Arg]LTDGCAHSMA